The following is an entry in ClinVar:

NM_001079802.2(FKTN):c.106-1G>C

Gene: FKTN (fukutin; plus strand). Cytogenetic location: 9q31.2.
Variant type: single nucleotide variant.
Coding change: c.106-1G>C on transcript NM_001079802.2 (MANE Select); the canonical splice acceptor site of the intron before coding-DNA position 106, G replaced by C.
Molecular consequence: splice acceptor variant.
Genome position (GRCh38, 1-based): chr9:105,596,597, G>C. VCF-style: chr9-105596597-G-C. GRCh37 (hg19) VCF-style: chr9-108358878-G-C.
Other names: c.106-1G>C (NM_006731.2, NM_001351496.2, NM_001198963.2 and 1 more transcripts); c.-409-1G>C (NM_001351502.2, NM_001351499.2, NM_001351500.2 and 1 more transcripts); c.-62-1G>C (NM_001351497.2).
Identifiers: ClinVar variation 1345920 (VCV001345920.8), dbSNP rs2132594628, ClinGen allele CA374331020.

ClinVar aggregate classification (germline): Likely pathogenic (1 of 4 stars; one submission).

Conditions:
Walker-Warburg congenital muscular dystrophy. Also called: Muscular dystrophy-dystroglycanopathy, type A; Walker-Warburg syndrome. Identifiers: Orphanet 899, MedGen C0265221, MONDO:0000171.

Submission:

Labcorp Genetics (formerly Invitae), Labcorp
Classification: Likely pathogenic for Walker-Warburg congenital muscular dystrophy. Last evaluated: 2021-03-24. Review status: criteria provided, single submitter. Criteria: Invitae Variant Classification Sherloc (09022015). Collection method: clinical testing. Allele origin: germline.
Comment: Algorithms developed to predict the effect of sequence changes on RNA splicing suggest that this variant may disrupt the consensus splice site, but this prediction has not been confirmed by published transcriptional studies. This variant has not been reported in the literature in individuals with FKTN-related conditions. This variant is not present in population databases (ExAC no frequency). This sequence change affects an acceptor splice site in intron 3 of the FKTN gene. It is expected to disrupt RNA splicing. Variants that disrupt the donor or acceptor splice site typically lead to a loss of protein function (PMID: 16199547), and loss-of-function variants in FKTN are known to be pathogenic (PMID: 17044012, 17878207, 18752264). In summary, the currently available evidence indicates that the variant is pathogenic, but additional data are needed to prove that conclusively. Therefore, this variant has been classified as Likely Pathogenic.

Literature cited by the submitters: PubMed 16199547; PubMed 17044012; PubMed 17878207; PubMed 18752264.